The following is an entry in ClinVar:

NM_001364171.2(ODAD1):c.266G>A (p.Arg89Gln)

Gene: ODAD1 (outer dynein arm docking complex subunit 1; minus strand). Cytogenetic location: 19q13.33.
Variant type: single nucleotide variant.
Coding change: c.266G>A on transcript NM_001364171.2 (MANE Select); coding-DNA position 266, G replaced by A.
Protein change: p.Arg89Gln; replaces arginine 89 with glutamine.
Molecular consequence: missense variant.
Genome position (GRCh38, 1-based): chr19:48,318,481, C>T on the plus strand (G>A on the coding strand, the complement: ODAD1 is on the minus strand). VCF-style: chr19-48318481-C-T. GRCh37 (hg19) VCF-style: chr19-48821738-C-T.
Other names: c.155G>A, p.Arg52Gln (NM_144577.4); short protein forms R52Q, R89Q.
Identifiers: ClinVar variation 964866 (VCV000964866.9), dbSNP rs58966182, ClinGen allele CA9549072.
Genomic context (GRCh38, chr19:48,318,481, plus strand): 5'-TCCTCGATCTCCGCCTGCACCTGGGCCCGGCCCTTCAGCAGGCGGTCCATGTTCTCCAGC[C>T]GCTGACTGTCCCGAAGCCGCTTGACCTGGTTCTGGGCTGCGCTGATCTGCACCTGGAGAT-3'
Protein context (NP_001351100.1, residues 79-99): NQVKRLRDSQ[Arg89Gln]LENMDRLLKG

ClinVar aggregate classification (germline): Uncertain significance. Review status: criteria provided, multiple submitters, no conflicts (2 of 4 stars). 2 submissions from 2 submitters: Uncertain significance (2). Last evaluated 2025-07-02.

Conditions:
Primary ciliary dyskinesia. Also called: Ciliary dyskinesia. Identifiers: Orphanet 244, MedGen C0008780, MONDO:0016575, HP:0012265.

Allele frequency attached by ClinVar (database versions not stated): TOPMed 0.00005.
gnomAD v4.1: 111 of 1,551,660 alleles (0.0072%); highest among the groups gnomAD compares: Admixed American, 0.035%; no homozygotes.

Submissions (2):

Ambry Genetics
Classification: Uncertain significance for Primary ciliary dyskinesia. Last evaluated: 2025-07-02. Review status: criteria provided, single submitter. Criteria: Ambry Variant Classification Scheme 2023. Collection method: clinical testing. Allele origin: germline.

Labcorp Genetics (formerly Invitae), Labcorp
Classification: Uncertain significance for Primary ciliary dyskinesia. Last evaluated: 2022-06-13. Review status: criteria provided, single submitter. Criteria: Invitae Variant Classification Sherloc (09022015). Collection method: clinical testing. Allele origin: germline.
Comment: This sequence change replaces arginine, which is basic and polar, with glutamine, which is neutral and polar, at codon 52 of the CCDC114 protein (p.Arg52Gln). This variant is present in population databases (rs58966182, gnomAD 0.05%). This missense change has been observed in individual(s) with clinical features of primary ciliary dyskinesia (Invitae). ClinVar contains an entry for this variant (Variation ID: 964866). Algorithms developed to predict the effect of missense changes on protein structure and function are either unavailable or do not agree on the potential impact of this missense change (SIFT: "Tolerated"; PolyPhen-2: "Possibly Damaging"; Align-GVGD: "Class C0"). In summary, the available evidence is currently insufficient to determine the role of this variant in disease. Therefore, it has been classified as a Variant of Uncertain Significance.